The following is an entry in ClinVar:

NM_018240.7(KIRREL1):c.1497T>C (p.Ala499=)

Gene: KIRREL1 (kirre like nephrin family adhesion molecule 1; plus strand). Cytogenetic location: 1q23.1.
Variant type: single nucleotide variant.
Coding change: c.1497T>C on transcript NM_018240.7 (MANE Select); coding-DNA position 1497, T replaced by C.
Protein change: p.Ala499=; no amino-acid change (alanine 499 retained).
Molecular consequence: synonymous variant.
Genome position (GRCh38, 1-based): chr1:158,093,364, T>C. VCF-style: chr1-158093364-T-C. GRCh37 (hg19) VCF-style: chr1-158063154-T-C.
Other names: c.1197T>C, p.Ala399= (NM_001286349.2).
Identifiers: ClinVar variation 3031523 (VCV003031523.2), dbSNP rs779606574, ClinGen allele CA1177695.

ClinVar aggregate classification (germline): Likely benign (0 of 4 stars; one submission).

Conditions:
KIRREL1-related disorder. Also called: KIRREL1-related condition.

Allele frequency attached by ClinVar (database versions not stated): ExAC 0.00001; gnomAD 0.00003; TOPMed 0.00003.
gnomAD v4.1: 5 of 1,614,104 alleles (0.00031%); highest among the groups gnomAD compares: African/African-American, 0.0067%; no homozygotes.

Submission:

PreventionGenetics, part of Exact Sciences
Classification: Likely benign for KIRREL1-related condition. Last evaluated: 2021-01-12. Review status: no assertion criteria provided. Collection method: clinical testing. Allele origin: germline.
Comment: This variant is classified as likely benign based on ACMG/AMP sequence variant interpretation guidelines (Richards et al. 2015 PMID: 25741868, with internal and published modifications).